The following is an entry in ClinVar:

ClinVar aggregate classification (germline): Uncertain significance (1 of 4 stars; one submission).

gnomAD v4.1: 6 of 1,613,822 alleles (0.00037%); highest among the groups gnomAD compares: Non-Finnish European, 0.00051%; no homozygotes.

Submission:

Mayo Clinic Laboratories, Mayo Clinic
Classification: Uncertain significance. Last evaluated: 2025-07-10. Review status: criteria provided, single submitter. Criteria: ACMG Guidelines, 2015. Collection method: clinical testing. Allele origin: germline. Observed: 1 variant allele.
Comment: PP3

NM_001761.3(CCNF):c.1142C>T (p.Thr381Met)

Gene: CCNF (cyclin F; plus strand). Cytogenetic location: 16p13.3.
Variant type: single nucleotide variant.
Coding change: c.1142C>T on transcript NM_001761.3 (MANE Select); coding-DNA position 1142, C replaced by T.
Protein change: p.Thr381Met; replaces threonine 381 with methionine.
Molecular consequence: missense variant.
Genome position (GRCh38, 1-based): chr16:2,448,902, C>T. VCF-style: chr16-2448902-C-T. GRCh37 (hg19) VCF-style: chr16-2498903-C-T.
Other names: p.Thr381Met; c.218C>T, p.Thr73Met (NM_001323538.2); short protein forms T73M, T381M.
Identifiers: ClinVar variation 4542006 (VCV004542006.1).